The following is an entry in ClinVar:

GRCh38/hg38 Xp22.11(chrX:22072604-22125554)x3

Gene: PHEX (phosphate regulating endopeptidase X-linked; plus strand). Cytogenetic location: Xp22.11.
Variant type: copy number gain.
Change: copy number 3 of chrX:22,072,604-22,125,554 (53.0 kb, GRCh38 coordinates, 1-based), cytogenetic band Xp22.11.
Identifiers: ClinVar variation 2581060 (VCV002581060.2).

ClinVar aggregate classification (germline): Likely pathogenic (1 of 4 stars; one submission).

Conditions:
Familial X-linked hypophosphatemic vitamin D refractory rickets (XLHRD). Also called: X-Linked Hypophosphatemia; HYPOPHOSPHATEMIC VITAMIN D-RESISTANT RICKETS; Hypophosphatemia, vitamin D-resistant rickets; Vitamin D-resistant rickets, X-linked; Hypophosphatemic Rickets, X-Linked Dominant. Identifiers: Orphanet 89936, MedGen C0733682, MONDO:0010619, OMIM 307800.

Submission:

Unidad De Genómica, Hospital Infantil Universitario Niño Jesús
Classification: Likely pathogenic for Familial X-linked hypophosphatemic vitamin D refractory rickets. Last evaluated: 2023-08-11. Review status: criteria provided, single submitter. Criteria: ACMG/ClinGen CNV Guidelines, 2019. Collection method: clinical testing. Allele origin: maternal, unknown. Inheritance: X-linked dominant inheritance. Affected: yes. Observed: 3 heterozygotes. Clinical features observed: Short stature (HP:0004322), Hypophosphatemic rickets (HP:0004912), Rickets of the lower limbs (HP:0006463).
Comment: The duplication in tandem was confirmed by optical genome mapping and it is present in two affected females from the same family. This duplication spans exon 4-11 so we presume that this variant could generate an aberrant transcript. Functional studies were not performed